The following is an entry in ClinVar:

NM_020320.5(RARS2):c.34C>G (p.Gln12Glu)

Gene: RARS2 (arginyl-tRNA synthetase 2, mitochondrial; minus strand). Cytogenetic location: 6q15.
Variant type: single nucleotide variant.
Coding change: c.34C>G on transcript NM_020320.5 (MANE Select); coding-DNA position 34, C replaced by G.
Protein change: p.Gln12Glu; replaces glutamine 12 with glutamic acid.
Molecular consequence: missense variant. On other transcripts: 5 prime UTR variant (7), non-coding transcript variant (23).
Genome position (GRCh38, 1-based): chr6:87,589,924, G>C on the plus strand (C>G on the coding strand, the complement: RARS2 is on the minus strand). VCF-style: chr6-87589924-G-C. GRCh37 (hg19) VCF-style: chr6-88299642-G-C.
Other names: c.-657C>G (NM_001318785.2); c.34C>G, p.Gln12Glu (NM_001350505.2); c.-713C>G (NM_001350506.2, NM_001350510.2); c.-836C>G (NM_001350507.2); c.-875C>G (NM_001350508.2); c.-583C>G (NM_001350509.2); c.-832C>G (NM_001350511.2); short protein forms Q12E.
Identifiers: ClinVar variation 1312125 (VCV001312125.2), dbSNP rs368985469, ClinGen allele CA142841669.

ClinVar aggregate classification (germline): Uncertain significance (1 of 4 stars; one submission).

Allele frequency attached by ClinVar (database versions not stated): ESP Exome Variant Server 0.00008; gnomAD 0.00002.
gnomAD v4.1: 12 of 1,614,130 alleles (0.00074%); highest among the groups gnomAD compares: South Asian, 0.0022%; no homozygotes.

Submission:

GeneDx
Classification: Uncertain significance. Last evaluated: 2019-09-11. Review status: criteria provided, single submitter. Criteria: GeneDx Variant Classification Process June 2021. Collection method: clinical testing. Allele origin: germline. Affected: yes.
Comment: Not observed at a significant frequency in large population cohorts (Lek et al., 2016); In silico analysis, which includes protein predictors and evolutionary conservation, supports that this variant does not alter protein structure/function; Has not been previously published as pathogenic or benign to our knowledge; A different missense change at this residue (Q12R) has been reported in ClinVar and in the published literature (Rankin et al., 2010; ClinVar VCV000030912.2; Landrum et al., 2016; Stenson et al., 2014)